The following is an entry in ClinVar:

ClinVar aggregate classification (germline): Likely pathogenic (1 of 4 stars; one submission).

Conditions:
Epilepsy, familial focal, with variable foci 3 (FFEVF3). Identifiers: MedGen C4310708, MONDO:0014925, OMIM 617118.

Submission:

Institute of Human Genetics, University of Leipzig Medical Center
Classification: Likely pathogenic for Epilepsy, familial focal, with variable foci 3. Last evaluated: 2022-11-17. Review status: criteria provided, single submitter. Criteria: ACMG Guidelines, 2015. Collection method: clinical testing. Allele origin: unknown. Affected: yes.
Comment: _x000D_ Criteria applied: PVS1, PM2_SUP

NM_001077350.3(NPRL3):c.563dup (p.Ser189fs)

Genes: HBA-LCR (alpha-globin locus control region; plus strand), NPRL3 (NPR3 like, GATOR1 complex subunit; minus strand). Cytogenetic location: 16p13.3.
Variant type: Duplication.
Coding change: c.563dup on transcript NM_001077350.3 (MANE Select); coding-DNA position 563, one base duplicated (A; older notation c.563dupA).
Protein change: p.Ser189fs; shifts the reading frame from serine 189.
Molecular consequence: frameshift variant.
Genome position (GRCh38, 1-based): chr16:110,591, T duplicated on the plus strand (A on the coding strand, the reverse complement: NPRL3 is on the minus strand). VCF-style (leftmost placement, unchanged base first): chr16-110590-C-CT. GRCh37 (hg19) VCF-style: chr16-160588-C-CT.
Other names: c.26dup, p.Ser10fs (NM_001039476.3); c.329dup, p.Ser111fs (NM_001243247.2); c.488dup, p.Ser164fs (NM_001243248.2, NM_001243249.2); short protein forms S10fs, S111fs, S164fs, S189fs.
Identifiers: ClinVar variation 1804128 (VCV001804128.1), dbSNP rs2542851975, ClinGen allele CA2580090529.